The following is an entry in ClinVar:

ClinVar aggregate classification (germline): Likely benign. Review status: criteria provided, multiple submitters, no conflicts (2 of 4 stars). 2 submissions from 2 submitters: Likely benign (2). Last evaluated 2025-11-19.

Conditions:
IL6ST-related disorder. Also called: IL6ST-related condition.

Allele frequency attached by ClinVar (database versions not stated): gnomAD exomes 0.00001; TOPMed 0.00001; ExAC 0.00002; gnomAD 0.00002.

Submissions (2):

Labcorp Genetics (formerly Invitae), Labcorp
Classification: Likely benign. Last evaluated: 2025-11-19. Review status: criteria provided, single submitter. Criteria: Invitae Variant Classification Sherloc (09022015). Collection method: clinical testing. Allele origin: germline.

PreventionGenetics, part of Exact Sciences
Classification: Likely benign for IL6ST-related condition. Last evaluated: 2025-04-10. Review status: criteria provided, single submitter. Criteria: ACMG Guidelines, 2015. Collection method: clinical testing. Allele origin: germline.
Comment: This variant is classified as likely benign based on ACMG/AMP sequence variant interpretation guidelines (Richards et al. 2015 PMID: 25741868, with internal and published modifications).

NM_002184.4(IL6ST):c.1057-8T>A

Gene: IL6ST (interleukin 6 cytokine family signal transducer; minus strand). Cytogenetic location: 5q11.2.
Variant type: single nucleotide variant.
Coding change: c.1057-8T>A on transcript NM_002184.4 (MANE Select); 8 bases into the intron before coding-DNA position 1057, T replaced by A.
Molecular consequence: intron variant.
Genome position (GRCh38, 1-based): chr5:55,956,243, A>T on the plus strand (T>A on the coding strand, the complement: IL6ST is on the minus strand). VCF-style: chr5-55956243-A-T. GRCh37 (hg19) VCF-style: chr5-55252071-A-T.
Other names: c.847-8T>A (NM_001364276.2); c.61-8T>A (NM_001364279.2); c.154-8T>A (NM_001364278.2); c.190-8T>A (NM_001364277.2); c.974-8T>A (NM_175767.3); c.1057-8T>A (NM_001190981.2, NM_001364275.2, NM_002184.3).
Identifiers: ClinVar variation 1990381 (VCV001990381.5), dbSNP rs767620886, ClinGen allele CA3271508.
Genomic context (GRCh38, chr5:55,956,243, plus strand): 5'-AGAGTCACTTCATAATCCAAGATTTTTCCATTGGCTTCAAAAGGAGGCAATGTCTGTAAT[A>T]AAATAGTTTATTTTTAAAAATAATCTCATAAATCTTGAATAAAAAATCAGTTTTTCTTCA-3'